The following is an entry in ClinVar:

ClinVar aggregate classification (germline): Uncertain significance (1 of 4 stars; one submission).

Conditions:
Progressive familial heart block type IB (PFHB1B). Identifiers: Orphanet 871, MedGen C1970298, MONDO:0011474, OMIM 604559.

Submission:

Labcorp Genetics (formerly Invitae), Labcorp
Classification: Uncertain significance for Progressive familial heart block type IB. Last evaluated: 2023-04-17. Review status: criteria provided, single submitter. Criteria: Invitae Variant Classification Sherloc (09022015). Collection method: clinical testing. Allele origin: germline.
Comment: In summary, the available evidence is currently insufficient to determine the role of this variant in disease. Therefore, it has been classified as a Variant of Uncertain Significance. An algorithm developed to predict the effect of missense changes on protein structure and function (PolyPhen-2) suggests that this variant is likely to be disruptive. This variant has not been reported in the literature in individuals affected with TRPM4-related conditions. This variant is not present in population databases (gnomAD no frequency). This sequence change replaces asparagine, which is neutral and polar, with threonine, which is neutral and polar, at codon 1131 of the TRPM4 protein (p.Asn1131Thr).

NM_017636.4(TRPM4):c.3392A>C (p.Asn1131Thr)

Gene: TRPM4 (transient receptor potential cation channel subfamily M member 4; plus strand). Cytogenetic location: 19q13.33.
Variant type: single nucleotide variant.
Coding change: c.3392A>C on transcript NM_017636.4 (MANE Select); coding-DNA position 3392, A replaced by C.
Protein change: p.Asn1131Thr; replaces asparagine 1131 with threonine.
Molecular consequence: missense variant.
Genome position (GRCh38, 1-based): chr19:49,210,773, A>C. VCF-style: chr19-49210773-A-C. GRCh37 (hg19) VCF-style: chr19-49714030-A-C.
Other names: c.2957A>C, p.Asn986Thr (NM_001195227.2); c.3047A>C, p.Asn1016Thr (NM_001321281.2); c.1784A>C, p.Asn595Thr (NM_001321282.2); c.2870A>C, p.Asn957Thr (NM_001321283.2); c.2330A>C, p.Asn777Thr (NM_001321285.2); short protein forms N1016T, N777T, N1131T, N595T, N957T, N986T.
Identifiers: ClinVar variation 2857089 (VCV002857089.3), dbSNP rs2145998295, ClinGen allele CA406773115.